The following is an entry in ClinVar:

ClinVar aggregate classification (germline): Pathogenic/Likely pathogenic. Review status: criteria provided, multiple submitters, no conflicts (2 of 4 stars). 4 submissions from 4 submitters: Pathogenic (2); Likely pathogenic (2). Last evaluated 2025-06-25.

Conditions:
Neuromuscular disease. Also called: Neuromyopathy; Neuromuscular disorder. Identifiers: Orphanet 68381, MedGen C0027868, MeSH D009468, MONDO:0019056.
Autosomal recessive limb-girdle muscular dystrophy type 2F (LGMDR6). Also called: Muscular dystrophy limb-girdle with delta-sarcoglyan deficiency; MUSCULAR DYSTROPHY, LIMB-GIRDLE, AUTOSOMAL RECESSIVE 6. Identifiers: Orphanet 219, MedGen C1832525, MONDO:0011028, OMIM 601287. Disease mechanism: Affects gamma-sarcoglycan and also disrupts the integrity of the entire sarcoglycan complex..

Submissions (4):

Myriad Genetics, Inc.
Classification: Pathogenic for Autosomal recessive limb-girdle muscular dystrophy type 2F. Last evaluated: 2025-06-25. Review status: criteria provided, single submitter. Criteria: Myriad Autosomal Dominant, Autosomal Recessive and X-Linked Classification Criteria (2023). Collection method: clinical testing. Allele origin: unknown.
Comment: NM_000337.5(SGCD):c.390delA(A131Pfs*2) is a frameshift variant classified as pathogenic in the context of delta-sarcoglycanopathy. A131Pfs*2 has not been observed in cases with relevant disease. Relevant functional assessments of this variant are not available in the literature. A131Pfs*2 has not been observed in referenced population frequency databases. In summary, NM_000337.5(SGCD):c.390delA(A131Pfs*2) is a frameshift variant in a gene where loss of function is a known mechanism of disease and is predicted to disrupt protein function. Please note: this variant was assessed in the context of healthy population screening.

Labcorp Genetics (formerly Invitae), Labcorp
Classification: Pathogenic for Autosomal recessive limb-girdle muscular dystrophy type 2F. Last evaluated: 2023-12-19. Review status: criteria provided, single submitter. Criteria: Invitae Variant Classification Sherloc (09022015). Collection method: clinical testing. Allele origin: germline.
Comment: This sequence change creates a premature translational stop signal (p.Ala131Profs*2) in the SGCD gene. It is expected to result in an absent or disrupted protein product. Loss-of-function variants in SGCD are known to be pathogenic (PMID: 8841194, 10735275, 10838250). This variant is not present in population databases (gnomAD no frequency). This premature translational stop signal has been observed in individual(s) with dilated cardiomyopathy (PMID: 24503780, 27532257). ClinVar contains an entry for this variant (Variation ID: 48118). For these reasons, this variant has been classified as Pathogenic.

Genome-Nilou Lab
Classification: Likely pathogenic for Autosomal recessive limb-girdle muscular dystrophy type 2F. Last evaluated: 2023-02-08. Review status: criteria provided, single submitter. Criteria: ACMG Guidelines, 2015. Collection method: clinical testing. Allele origin: germline.

Laboratory for Molecular Medicine, Mass General Brigham Personalized Medicine
Classification: Likely pathogenic for Neuromuscular Diseases. Last evaluated: 2012-02-23. Review status: criteria provided, single submitter. Criteria: LMM Criteria. Collection method: clinical testing. Allele origin: germline. Inheritance: Autosomal recessive inheritance. Observed: 3 variant alleles.
Comment: This variant is predi cted to cause a frameshift, which alters the protein's amino acid sequence begin ning at codon 131 and leads to a premature stop codon 2 amino acids downstream. This alteration is then predicted to lead to a truncated or absent protein (loss of function, LOF). Homozygous LOF variants in the SGCD gene have been reported in autosomal recessive Limb-Girdle muscular dystrophy (LGMD; OMIM, Human Gene Mu tation Database). The clinical significance of a heterozygous LOF variant for D CM in the absence of muscular dystrophy is unknown.

Literature cited by the submitters: PubMed 8841194 (cited by Labcorp Genetics (formerly Invitae), Labcorp); PubMed 10735275 (cited by Labcorp Genetics (formerly Invitae), Labcorp); PubMed 10838250 (cited by Labcorp Genetics (formerly Invitae), Labcorp); PubMed 24503780 (cited by Labcorp Genetics (formerly Invitae), Labcorp); PubMed 27532257 (cited by Labcorp Genetics (formerly Invitae), Labcorp).

NM_000337.6(SGCD):c.390del (p.Ala131fs)

Gene: SGCD (sarcoglycan delta; plus strand). Cytogenetic location: 5q33.3.
Variant type: Deletion.
Coding change: c.390del on transcript NM_000337.6 (MANE Select); coding-DNA position 390, one base deleted (A; older notation c.390delA).
Protein change: p.Ala131fs; shifts the reading frame from alanine 131.
Molecular consequence: frameshift variant.
Genome position (GRCh38, 1-based): chr5:156,594,939, A deleted; the last of 4 consecutive A bases (chr5:156,594,936-156,594,939); deleting any one gives the same sequence. VCF-style (leftmost placement, unchanged base first): chr5-156594935-CA-C. GRCh37 (hg19) VCF-style: chr5-156021945-CA-C.
Other names: c.387del, p.Ala130fs (NM_001128209.2); c.390del, p.Ala131fs (NM_172244.3); short protein forms A130fs, A131fs.
Identifiers: ClinVar variation 48118 (VCV000048118.11), dbSNP rs397517921, ClinGen allele CA344697.